The following is an entry in ClinVar:

NM_000124.4(ERCC6):c.4453A>G (p.Ile1485Val)

Gene: ERCC6 (ERCC excision repair 6, chromatin remodeling factor; minus strand). Cytogenetic location: 10q11.23.
Variant type: single nucleotide variant.
Coding change: c.4453A>G on transcript NM_000124.4 (MANE Select); coding-DNA position 4453, A replaced by G.
Protein change: p.Ile1485Val; replaces isoleucine 1485 with valine.
Molecular consequence: missense variant.
Genome position (GRCh38, 1-based): chr10:49,458,844, T>C on the plus strand (A>G on the coding strand, the complement: ERCC6 is on the minus strand). VCF-style: chr10-49458844-T-C. GRCh37 (hg19) VCF-style: chr10-50666890-T-C.
Other names: c.4453A>G, p.Ile1485Val (NM_001346440.2); short protein forms I1485V.
Identifiers: ClinVar variation 1422408 (VCV001422408.3), dbSNP rs772426762, ClinGen allele CA5495115.

ClinVar aggregate classification (germline): Uncertain significance (1 of 4 stars; one submission).

Allele frequency attached by ClinVar (database versions not stated): gnomAD exomes below 0.00001 and 0.00001; ExAC 0.00001.
gnomAD v4.1: 14 of 1,614,210 alleles (0.00087%); highest among the groups gnomAD compares: Non-Finnish European, 0.0011%; no homozygotes.

Submission:

Labcorp Genetics (formerly Invitae), Labcorp
Classification: Uncertain significance. Last evaluated: 2021-11-11. Review status: criteria provided, single submitter. Criteria: Invitae Variant Classification Sherloc (09022015). Collection method: clinical testing. Allele origin: germline.
Comment: This sequence change replaces isoleucine, which is neutral and non-polar, with valine, which is neutral and non-polar, at codon 1485 of the ERCC6 protein (p.Ile1485Val). This variant is present in population databases (rs772426762, gnomAD 0.0009%). This variant has not been reported in the literature in individuals affected with ERCC6-related conditions. Algorithms developed to predict the effect of missense changes on protein structure and function output the following: SIFT: "Deleterious"; PolyPhen-2: "Benign"; Align-GVGD: "Class C25". The valine amino acid residue is found in multiple mammalian species, which suggests that this missense change does not adversely affect protein function. In summary, the available evidence is currently insufficient to determine the role of this variant in disease. Therefore, it has been classified as a Variant of Uncertain Significance.